The following is an entry in ClinVar:

ClinVar aggregate classification (germline): Uncertain significance (1 of 4 stars; one submission).

Conditions:
Familial thoracic aortic aneurysm and aortic dissection (TAAD). Also called: Thoracic aortic aneurysms and dissections. Identifiers: Orphanet 91387, MedGen C4707243, MONDO:0019625.
Hereditary cancer-predisposing syndrome. Also called: Neoplastic Syndromes, Hereditary; Tumor predisposition; Hereditary Cancer Syndrome; Hereditary neoplastic syndrome. Identifiers: Orphanet 140162, MedGen C0027672, MeSH D009386, MONDO:0015356.

Submission:

Ambry Genetics
Classification: Uncertain significance for Hereditary cancer-predisposing syndrome; Familial thoracic aortic aneurysm and aortic dissection. Last evaluated: 2017-07-24. Review status: criteria provided, single submitter. Criteria: Ambry Variant Classification Scheme 2023. Collection method: clinical testing. Allele origin: germline.
Comment: The p.N107S variant (also known as c.320A>G), located in coding exon 2 of the SMAD4 gene, results from an A to G substitution at nucleotide position 320. The asparagine at codon 107 is replaced by serine, an amino acid with highly similar properties. This amino acid position is highly conserved in available vertebrate species. In addition, this alteration is predicted to be tolerated by in silico analysis. Since supporting evidence is limited at this time, the clinical significance of this alteration remains unclear.

NM_005359.6(SMAD4):c.320A>G (p.Asn107Ser)

Gene: SMAD4 (SMAD family member 4; plus strand). Cytogenetic location: 18q21.2.
Variant type: single nucleotide variant.
Coding change: c.320A>G on transcript NM_005359.6 (MANE Select); coding-DNA position 320, A replaced by G.
Protein change: p.Asn107Ser; replaces asparagine 107 with serine.
Molecular consequence: missense variant.
Genome position (GRCh38, 1-based): chr18:51,048,756, A>G. VCF-style: chr18-51048756-A-G. GRCh37 (hg19) VCF-style: chr18-48575126-A-G.
Other names: short protein forms N107S.
Identifiers: ClinVar variation 484829 (VCV000484829.5), dbSNP rs1555685163, ClinGen allele CA402458324.